The following is an entry in ClinVar:

NM_016013.4(NDUFAF1):c.961C>T (p.Leu321Phe)

Gene: NDUFAF1 (NADH:ubiquinone oxidoreductase complex assembly factor 1; minus strand). Cytogenetic location: 15q15.1.
Variant type: single nucleotide variant.
Coding change: c.961C>T on transcript NM_016013.4 (MANE Select); coding-DNA position 961, C replaced by T.
Protein change: p.Leu321Phe; replaces leucine 321 with phenylalanine.
Molecular consequence: missense variant. On other transcripts: non-coding transcript variant (1).
Genome position (GRCh38, 1-based): chr15:41,387,467, G>A on the plus strand (C>T on the coding strand, the complement: NDUFAF1 is on the minus strand). VCF-style: chr15-41387467-G-A. GRCh37 (hg19) VCF-style: chr15-41679665-G-A.
Other names: c.961C>T (NM_016013.2); short protein forms L321F.
Identifiers: ClinVar variation 1494378 (VCV001494378.11), dbSNP rs148929517, ClinGen allele CA7491184.

ClinVar aggregate classification (germline): Uncertain significance. Review status: criteria provided, multiple submitters, no conflicts (2 of 4 stars). 3 submissions from 3 submitters: Uncertain significance (3). Last evaluated 2025-11-05.

Allele frequency attached by ClinVar (database versions not stated): TOPMed 0.00003; gnomAD 0.00003 and 0.00004; gnomAD exomes 0.00006; ESP Exome Variant Server 0.00008; ExAC 0.00006.

Submissions (3):

GeneDx
Classification: Uncertain significance. Last evaluated: 2025-11-05. Review status: criteria provided, single submitter. Criteria: GeneDx Variant Classification Process June 2021. Collection method: clinical testing. Allele origin: germline.
Comment: Not observed at significant frequency in large population cohorts (gnomAD); In silico analysis suggests that this missense variant does not alter protein structure/function; Has not been previously published as pathogenic or benign to our knowledge

Ambry Genetics
Classification: Uncertain significance. Last evaluated: 2024-06-17. Review status: criteria provided, single submitter. Criteria: Ambry Variant Classification Scheme 2023. Collection method: clinical testing. Allele origin: germline.

Labcorp Genetics (formerly Invitae), Labcorp
Classification: Uncertain significance. Last evaluated: 2023-10-13. Review status: criteria provided, single submitter. Criteria: Invitae Variant Classification Sherloc (09022015). Collection method: clinical testing. Allele origin: germline.
Comment: This sequence change replaces leucine, which is neutral and non-polar, with phenylalanine, which is neutral and non-polar, at codon 321 of the NDUFAF1 protein (p.Leu321Phe). This variant is present in population databases (rs148929517, gnomAD 0.01%). This variant has not been reported in the literature in individuals affected with NDUFAF1-related conditions. ClinVar contains an entry for this variant (Variation ID: 1494378). An algorithm developed to predict the effect of missense changes on protein structure and function (PolyPhen-2) suggests that this variant is likely to be disruptive. In summary, the available evidence is currently insufficient to determine the role of this variant in disease. Therefore, it has been classified as a Variant of Uncertain Significance.